The following is an entry in ClinVar:

ClinVar aggregate classification (germline): Uncertain significance (1 of 4 stars; one submission).

Conditions:
Congenital disorder of glycosylation, type Iaa. Also called: Congenital disorder of glycosylation, type 1aa. Identifiers: MedGen C4310727, MONDO:0014904, OMIM 617082.

gnomAD v4.1: 2 of 1,610,082 alleles (0.00012%); highest among the groups gnomAD compares: Admixed American, 0.0033%; no homozygotes.

Submission:

Labcorp Genetics (formerly Invitae), Labcorp
Classification: Uncertain significance for Congenital disorder of glycosylation, type Iaa. Last evaluated: 2024-06-04. Review status: criteria provided, single submitter. Criteria: Invitae Variant Classification Sherloc (09022015). Collection method: clinical testing. Allele origin: germline.
Comment: This sequence change replaces glutamine, which is neutral and polar, with glutamic acid, which is acidic and polar, at codon 157 of the NUS1 protein (p.Gln157Glu). This variant is not present in population databases (gnomAD no frequency). This variant has not been reported in the literature in individuals affected with NUS1-related conditions. An algorithm developed to predict the effect of missense changes on protein structure and function (PolyPhen-2) suggests that this variant is likely to be tolerated. In summary, the available evidence is currently insufficient to determine the role of this variant in disease. Therefore, it has been classified as a Variant of Uncertain Significance.

NM_138459.5(NUS1):c.469C>G (p.Gln157Glu)

Gene: NUS1 (NUS1 dehydrodolichyl diphosphate synthase subunit; plus strand). Cytogenetic location: 6q22.1.
Variant type: single nucleotide variant.
Coding change: c.469C>G on transcript NM_138459.5 (MANE Select); coding-DNA position 469, C replaced by G.
Protein change: p.Gln157Glu; replaces glutamine 157 with glutamic acid.
Molecular consequence: missense variant.
Genome position (GRCh38, 1-based): chr6:117,693,095, C>G. VCF-style: chr6-117693095-C-G. GRCh37 (hg19) VCF-style: chr6-118014258-C-G.
Other names: short protein forms Q157E.
Identifiers: ClinVar variation 3623985 (VCV003623985.2).